The following is an entry in ClinVar:

ClinVar aggregate classification (germline): Uncertain significance. Review status: criteria provided, multiple submitters, no conflicts (2 of 4 stars). 3 submissions from 3 submitters: Uncertain significance (3). Last evaluated 2025-12-01.

Conditions:
Cardiovascular phenotype. Identifiers: MedGen CN230736.
Primary dilated cardiomyopathy (DCM). Also called: Dilated Cardiomyopathy. Identifiers: Orphanet 217604, MedGen C0007193, MeSH D002311, MONDO:0005021, HP:0001644. Inheritance: Various modes of inheritance.

Allele frequency attached by ClinVar (database versions not stated): ExAC 0.00001; gnomAD 0.00001; gnomAD exomes 0.00001; TOPMed 0.00001; 1000 Genomes Project 30x 0.00016; 1000 Genomes Project 0.00020.
gnomAD v4.1: 9 of 1,613,804 alleles (0.00056%); highest among the groups gnomAD compares: East Asian, 0.0022%; no homozygotes.

Submissions (3):

Labcorp Genetics (formerly Invitae), Labcorp
Classification: Uncertain significance for Primary dilated cardiomyopathy. Last evaluated: 2025-12-01. Review status: criteria provided, single submitter. Criteria: Invitae Variant Classification Sherloc (09022015). Collection method: clinical testing. Allele origin: germline.
Comment: This sequence change replaces threonine, which is neutral and polar, with methionine, which is neutral and non-polar, at codon 196 of the TXNRD2 protein (p.Thr196Met). This variant is present in population databases (rs531899091, gnomAD 0.003%). This variant has not been reported in the literature in individuals affected with TXNRD2-related conditions. ClinVar contains an entry for this variant (Variation ID: 1054903). Invitae Evidence Modeling of protein sequence and biophysical properties (such as structural, functional, and spatial information, amino acid conservation, physicochemical variation, residue mobility, and thermodynamic stability) indicates that this missense variant is not expected to disrupt TXNRD2 protein function with a negative predictive value of 80%. In summary, the available evidence is currently insufficient to determine the role of this variant in disease. Therefore, it has been classified as a Variant of Uncertain Significance.

Ambry Genetics
Classification: Uncertain significance for Cardiovascular phenotype. Last evaluated: 2024-11-10. Review status: criteria provided, single submitter. Criteria: Ambry Variant Classification Scheme 2023. Collection method: clinical testing. Allele origin: germline.
Comment: The p.T196M variant (also known as c.587C>T), located in coding exon 7 of the TXNRD2 gene, results from a C to T substitution at nucleotide position 587. The threonine at codon 196 is replaced by methionine, an amino acid with similar properties. This amino acid position is conserved. In addition, this alteration is predicted to be tolerated by in silico analysis. Based on the available evidence, the clinical significance of this variant remains unclear.

GeneDx
Classification: Uncertain significance. Last evaluated: 2019-06-04. Review status: criteria provided, single submitter. Criteria: GeneDx Variant Classification Process June 2021. Collection method: clinical testing. Allele origin: germline. Affected: yes.
Comment: Has not been previously published as pathogenic or benign to our knowledge; Not observed at a significant frequency in large population cohorts (Lek et al., 2016); In silico analysis, which includes protein predictors and evolutionary conservation, supports that this variant does not alter protein structure/function

NM_006440.5(TXNRD2):c.587C>T (p.Thr196Met)

Gene: TXNRD2 (thioredoxin reductase 2; minus strand). Cytogenetic location: 22q11.21.
Variant type: single nucleotide variant.
Coding change: c.587C>T on transcript NM_006440.5 (MANE Select); coding-DNA position 587, C replaced by T.
Protein change: p.Thr196Met; replaces threonine 196 with methionine.
Molecular consequence: missense variant. On other transcripts: non-coding transcript variant (1).
Genome position (GRCh38, 1-based): chr22:19,915,218, G>A on the plus strand (C>T on the coding strand, the complement: TXNRD2 is on the minus strand). VCF-style: chr22-19915218-G-A. GRCh37 (hg19) VCF-style: chr22-19902741-G-A.
Other names: c.587C>T, p.Thr196Met (NM_001282512.3); c.584C>T, p.Thr195Met (NM_001352300.2); c.497C>T, p.Thr166Met (NM_001352301.2); c.299C>T, p.Thr100Met (NM_001352302.2); c.491C>T, p.Thr164Met (NM_001352303.2); short protein forms T100M, T164M, T166M, T195M, T196M.
Identifiers: ClinVar variation 1054903 (VCV001054903.11), dbSNP rs531899091, ClinGen allele CA10104121.